The following is an entry in ClinVar:

NM_001008537.3(NEXMIF):c.3597dup (p.Ser1200fs)

Gene: NEXMIF (neurite extension and migration factor; minus strand). Cytogenetic location: Xq13.3.
Variant type: Duplication.
Coding change: c.3597dup on transcript NM_001008537.3 (MANE Select); coding-DNA position 3597, one base duplicated (A; older notation c.3597dupA).
Protein change: p.Ser1200fs; shifts the reading frame from serine 1200.
Molecular consequence: frameshift variant.
Genome position (GRCh38, 1-based): chrX:74,740,960, T duplicated on the plus strand (A on the coding strand, the reverse complement: NEXMIF is on the minus strand); the first of 6 consecutive T bases (chrX:74,740,960-74,740,965); duplicating any one gives the same sequence. VCF-style (leftmost placement, unchanged base first): chrX-74740959-A-AT. GRCh37 (hg19) VCF-style: chrX-73960794-A-AT.
Other names: NEXMIF, 1-BP DUP, 3597A; c.3597dup (NM_001008537.1); short protein forms S1200fs.
Identifiers: ClinVar variation 88753 (VCV000088753.14), dbSNP rs397518478, ClinGen allele CA145333.

ClinVar aggregate classification (germline): Pathogenic. Review status: criteria provided, multiple submitters, no conflicts (2 of 4 stars). 6 submissions from 6 submitters: Pathogenic (4). 2 of the submissions do not count toward it. Last evaluated 2024-04-15.

Conditions:
X-linked intellectual disability, Cantagrel type (XLID98). Also called: INTELLECTUAL DEVELOPMENTAL DISORDER, X-LINKED 98. Identifiers: Orphanet 85277, MedGen C3806730, MONDO:0010483, OMIM 300912.

Submissions (6):

GeneDx
Classification: Pathogenic. Last evaluated: 2024-04-15. Review status: criteria provided, single submitter. Criteria: GeneDx Variant Classification Process June 2021. Collection method: clinical testing. Allele origin: germline. Affected: yes.
Comment: Frameshift variant predicted to result in protein truncation or nonsense mediated decay in a gene for which loss of function is a known mechanism of disease; Not observed at significant frequency in large population cohorts (gnomAD); Also known as c.3596_3597insA; This variant is associated with the following publications: (PMID: 27812264, 33144681, 25590979, 27358180, 23615299)

Genomic Medicine Center of Excellence, King Faisal Specialist Hospital and Research Centre
Classification: Pathogenic for X-linked intellectual disability, Cantagrel type. Last evaluated: 2024-03-26. Review status: criteria provided, single submitter. Criteria: ACMG Guidelines, 2015. Collection method: clinical testing. Allele origin: germline.

Revvity Omics, Revvity
Classification: Pathogenic for X-linked intellectual disability, Cantagrel type. Last evaluated: 2022-05-10. Review status: criteria provided, single submitter. Criteria: ACMG Guidelines, 2015. Collection method: clinical testing. Allele origin: germline.

Labcorp Genetics (formerly Invitae), Labcorp
Classification: Pathogenic. Last evaluated: 2020-11-03. Review status: criteria provided, single submitter. Criteria: Invitae Variant Classification Sherloc (09022015). Collection method: clinical testing. Allele origin: germline.
Comment: This variant is not present in population databases (ExAC no frequency). For these reasons, this variant has been classified as Pathogenic. This variant has been observed in individual(s) with NEXMIF-related conditions (PMID: 23615299, 25590979). In at least one individual the variant was observed to be de novo. ClinVar contains an entry for this variant (Variation ID: 88753). This sequence change creates a premature translational stop signal (p.Ser1200Ilefs*5) in the NEXMIF gene. It is expected to result in an absent or disrupted protein product. Loss-of-function variants in NEXMIF are known to be pathogenic (PMID: 23615299).

Clinical Genetics Laboratory, University Hospital Schleswig-Holstein
Classification: Pathogenic for X-linked intellectual disability, Cantagrel type. Last evaluated: 2024-09-13. Review status: no assertion criteria provided. Collection method: clinical testing. Allele origin: de novo. Affected: yes. Not counted in ClinVar's aggregate classification.

OMIM
Classification: Pathogenic for INTELLECTUAL DEVELOPMENTAL DISORDER, X-LINKED 98. Last evaluated: 2013-08-15. Review status: no assertion criteria provided. Collection method: literature only. Allele origin: germline. Not counted in ClinVar's aggregate classification.

Literature cited by the submitters: PubMed 23615299 (cited by Labcorp Genetics (formerly Invitae), Labcorp and OMIM); PubMed 25590979 (cited by Labcorp Genetics (formerly Invitae), Labcorp).